The following is an entry in ClinVar:

ClinVar aggregate classification (germline): Uncertain significance (1 of 4 stars; one submission).

Submission:

Ambry Genetics
Classification: Uncertain significance. Last evaluated: 2022-09-25. Review status: criteria provided, single submitter. Criteria: Ambry Variant Classification Scheme 2023. Collection method: clinical testing. Allele origin: germline.
Comment: The p.N399K variant (also known as c.1197C>G), located in coding exon 6 of the GALNT12 gene, results from a C to G substitution at nucleotide position 1197. The asparagine at codon 399 is replaced by lysine, an amino acid with similar properties. This amino acid position is conserved. In addition, this alteration is predicted to be tolerated by in silico analysis. Since supporting evidence is limited at this time, the clinical significance of this alteration remains unclear.

NM_024642.5(GALNT12):c.1197C>G (p.Asn399Lys)

Gene: GALNT12 (polypeptide N-acetylgalactosaminyltransferase 12; plus strand). Cytogenetic location: 9q22.33.
Variant type: single nucleotide variant.
Coding change: c.1197C>G on transcript NM_024642.5 (MANE Select); coding-DNA position 1197, C replaced by G.
Protein change: p.Asn399Lys; replaces asparagine 399 with lysine.
Molecular consequence: missense variant.
Genome position (GRCh38, 1-based): chr9:98,837,133, C>G. VCF-style: chr9-98837133-C-G. GRCh37 (hg19) VCF-style: chr9-101599415-C-G.
Other names: short protein forms N399K.
Identifiers: ClinVar variation 1746269 (VCV001746269.2), dbSNP rs202043243, ClinGen allele CA374220051.